The following is an entry in ClinVar:

ClinVar aggregate classification (germline): Uncertain significance (1 of 4 stars; one submission).

Conditions:
Hereditary diffuse gastric adenocarcinoma (HDGC). Also called: DIFFUSE GASTRIC AND LOBULAR BREAST CANCER SYNDROME. Identifiers: Orphanet 26106, MedGen C1708349, MONDO:0007648, OMIM 137215.

Submission:

Labcorp Genetics (formerly Invitae), Labcorp
Classification: Uncertain significance for Hereditary diffuse gastric cancer. Last evaluated: 2019-10-13. Review status: criteria provided, single submitter. Criteria: Invitae Variant Classification Sherloc (09022015). Collection method: clinical testing. Allele origin: germline.
Comment: This variant is a gross duplication of the genomic region encompassing exons 3-16 of the CDH1 gene. The 5' boundary is likely confined to intron 2. The 3' end of this event is unknown as it extends beyond the assayed region for this gene and therefore may encompass additional genes. Duplications of exons 3-16 have not been reported in the literature in individuals with CDH1-related disease. In summary, the available evidence is currently insufficient to determine the role of this variant in disease. Therefore, it has been classified as a Variant of Uncertain Significance.

NC_000016.10:g.(?_68787043)_(68833499_?)dup

Gene: CDH1 (cadherin 1; plus strand). Cytogenetic location: 16q22.1.
Variant type: Duplication.
Identifiers: ClinVar variation 830634 (VCV000830634.1).